The following is an entry in ClinVar:

NM_001142800.2(EYS):c.8248A>T (p.Ile2750Phe)

Genes: EYS (EGF-like photoreceptor maintenance factor; minus strand), PHF3 (PHD finger protein 3; plus strand). Cytogenetic location: 6q12.
Variant type: single nucleotide variant.
Coding change: c.8248A>T on transcript NM_001142800.2 (MANE Select); coding-DNA position 8248, A replaced by T.
Protein change: p.Ile2750Phe; replaces isoleucine 2750 with phenylalanine.
Molecular consequence: missense variant. On other transcripts: 3 prime UTR variant (5).
Genome position (GRCh38, 1-based): chr6:63,721,783, T>A on the plus strand (A>T on the coding strand, the complement: EYS is on the minus strand). VCF-style: chr6-63721783-T-A. GRCh37 (hg19) VCF-style: chr6-64431679-T-A.
Other names: c.*8075T>A (NM_001290259.2, NM_001370348.2, NM_001370349.2 and 2 more transcripts); c.8311A>T, p.Ile2771Phe (NM_001292009.2); short protein forms I2771F, I2750F.
Identifiers: ClinVar variation 1042662 (VCV001042662.8), dbSNP rs200962604, ClinGen allele CA364385416.

ClinVar aggregate classification (germline): Uncertain significance (1 of 4 stars; one submission).

Submission:

Labcorp Genetics (formerly Invitae), Labcorp
Classification: Uncertain significance. Last evaluated: 2022-07-11. Review status: criteria provided, single submitter. Criteria: Invitae Variant Classification Sherloc (09022015). Collection method: clinical testing. Allele origin: germline.
Comment: In summary, the available evidence is currently insufficient to determine the role of this variant in disease. Therefore, it has been classified as a Variant of Uncertain Significance. Algorithms developed to predict the effect of missense changes on protein structure and function are either unavailable or do not agree on the potential impact of this missense change (SIFT: "Deleterious"; PolyPhen-2: "Benign"; Align-GVGD: "Class C0"). ClinVar contains an entry for this variant (Variation ID: 1042662). This variant has not been reported in the literature in individuals affected with EYS-related conditions. This variant is not present in population databases (gnomAD no frequency). This sequence change replaces isoleucine, which is neutral and non-polar, with phenylalanine, which is neutral and non-polar, at codon 2750 of the EYS protein (p.Ile2750Phe).